The following is an entry in ClinVar:

NM_004104.5(FASN):c.1984G>A (p.Val662Met)

Gene: FASN (fatty acid synthase; minus strand). Cytogenetic location: 17q25.3.
Variant type: single nucleotide variant.
Coding change: c.1984G>A on transcript NM_004104.5 (MANE Select); coding-DNA position 1984, G replaced by A.
Protein change: p.Val662Met; replaces valine 662 with methionine.
Molecular consequence: missense variant.
Genome position (GRCh38, 1-based): chr17:82,089,366, C>T on the plus strand (G>A on the coding strand, the complement: FASN is on the minus strand). VCF-style: chr17-82089366-C-T. GRCh37 (hg19) VCF-style: chr17-80047242-C-T.
Other names: short protein forms V662M.
Identifiers: ClinVar variation 944409 (VCV000944409.10), dbSNP rs372061454, ClinGen allele CA8852945.

ClinVar aggregate classification (germline): Conflicting classifications of pathogenicity. Review status: criteria provided, conflicting classifications (1 of 4 stars). 2 submissions from 2 submitters: Uncertain significance (1); Likely benign (1). Last evaluated 2025-06-25.

Conditions:
Epileptic encephalopathy. Identifiers: MedGen C0543888, HP:0200134.

Allele frequency attached by ClinVar (database versions not stated): TOPMed below 0.00001; gnomAD 0.00001; ESP Exome Variant Server 0.00008.
gnomAD v4.1: 37 of 1,612,722 alleles (0.0023%); highest among the groups gnomAD compares: Admixed American, 0.0067%; no homozygotes.

Submissions (2):

Labcorp Genetics (formerly Invitae), Labcorp
Classification: Uncertain significance for Epileptic encephalopathy. Last evaluated: 2025-06-25. Review status: criteria provided, single submitter. Criteria: Invitae Variant Classification Sherloc (09022015). Collection method: clinical testing. Allele origin: germline.
Comment: This sequence change replaces valine, which is neutral and non-polar, with methionine, which is neutral and non-polar, at codon 662 of the FASN protein (p.Val662Met). This variant is present in population databases (rs372061454, gnomAD 0.009%). This variant has not been reported in the literature in individuals affected with FASN-related conditions. ClinVar contains an entry for this variant (Variation ID: 944409). An algorithm developed to predict the effect of missense changes on protein structure and function outputs the following: PolyPhen-2: "Benign". The methionine amino acid residue is found in multiple mammalian species, which suggests that this missense change does not adversely affect protein function. In summary, the available evidence is currently insufficient to determine the role of this variant in disease. Therefore, it has been classified as a Variant of Uncertain Significance.

Ambry Genetics
Classification: Likely benign. Last evaluated: 2021-07-28. Review status: criteria provided, single submitter. Criteria: Ambry Variant Classification Scheme 2023. Collection method: clinical testing. Allele origin: germline.